The following is an entry in ClinVar:

NM_000890.5(KCNJ5):c.145C>A (p.Pro49Thr)

Gene: KCNJ5 (potassium inwardly rectifying channel subfamily J member 5; plus strand). Cytogenetic location: 11q24.3.
Variant type: single nucleotide variant.
Coding change: c.145C>A on transcript NM_000890.5 (MANE Select); coding-DNA position 145, C replaced by A.
Protein change: p.Pro49Thr; replaces proline 49 with threonine.
Molecular consequence: missense variant.
Genome position (GRCh38, 1-based): chr11:128,911,418, C>A. VCF-style: chr11-128911418-C-A. GRCh37 (hg19) VCF-style: chr11-128781313-C-A.
Other names: c.145C>A, p.Pro49Thr (NM_001354169.2); short protein forms P49T.
Identifiers: ClinVar variation 3620772 (VCV003620772.2).
Genomic context (GRCh38, chr11:128,911,418, plus strand): 5'-GCCCGCGATTATGTCCCCATTGCCACAGACCGTACGCGCCTGCTGGCCGAGGGCAAGAAG[C>A]CACGCCAGCGCTACATGGAGAAGAGTGGCAAGTGCAACGTGCACCACGGCAACGTCCAGG-3'
Protein context (NP_000881.3, residues 39-59): RTRLLAEGKK[Pro49Thr]RQRYMEKSGK

ClinVar aggregate classification (germline): Uncertain significance (1 of 4 stars; one submission).

Conditions:
Long QT syndrome (LQTS). Identifiers: MedGen C0023976, MeSH D008133, MONDO:0002442. Disease mechanism: loss of function. Inheritance: Various modes of inheritance.

Submission:

Labcorp Genetics (formerly Invitae), Labcorp
Classification: Uncertain significance for Long QT syndrome. Last evaluated: 2024-08-28. Review status: criteria provided, single submitter. Criteria: Invitae Variant Classification Sherloc (09022015). Collection method: clinical testing. Allele origin: germline.
Comment: This sequence change replaces proline, which is neutral and non-polar, with threonine, which is neutral and polar, at codon 49 of the KCNJ5 protein (p.Pro49Thr). This variant is present in population databases (rs768356887, gnomAD 0.002%). This variant has not been reported in the literature in individuals affected with KCNJ5-related conditions. Invitae Evidence Modeling of protein sequence and biophysical properties (such as structural, functional, and spatial information, amino acid conservation, physicochemical variation, residue mobility, and thermodynamic stability) indicates that this missense variant is not expected to disrupt KCNJ5 protein function with a negative predictive value of 80%. In summary, the available evidence is currently insufficient to determine the role of this variant in disease. Therefore, it has been classified as a Variant of Uncertain Significance.